The following is an entry in ClinVar:

ClinVar aggregate classification (germline): Uncertain significance. Review status: criteria provided, multiple submitters, no conflicts (2 of 4 stars). 3 submissions from 3 submitters: Uncertain significance (3). Last evaluated 2022-11-28.

Conditions:
Developmental and epileptic encephalopathy, 12 (DEE12). Identifiers: MedGen C3150988, MONDO:0013389, OMIM 613722.
Charcot-Marie-Tooth disease type 2B2 (CMT2B2). Also called: CHARCOT-MARIE-TOOTH DISEASE, NEURONAL, TYPE 2B2; CHARCOT-MARIE-TOOTH DISEASE, AXONAL, TYPE 2B2; Charcot-Marie-Tooth Neuropathy Type 2B2; CHARCOT-MARIE-TOOTH DISEASE, AXONAL, AUTOSOMAL RECESSIVE, TYPE 2B2. Identifiers: Orphanet 101101, MedGen C1854150, MONDO:0011570, OMIM 605589.
Microcephaly, seizures, and developmental delay. Identifiers: Orphanet 1934, MedGen C3150667, MONDO:0013254, OMIM 613402.
Ataxia - oculomotor apraxia type 4. Identifiers: Orphanet 459033, MedGen C4225397, MONDO:0014557, OMIM 616267.

Submissions (3):

Labcorp Genetics (formerly Invitae), Labcorp
Classification: Uncertain significance for Developmental and epileptic encephalopathy, 12. Last evaluated: 2022-11-28. Review status: criteria provided, single submitter. Criteria: Invitae Variant Classification Sherloc (09022015). Collection method: clinical testing. Allele origin: germline.
Comment: In summary, the available evidence is currently insufficient to determine the role of this variant in disease. Therefore, it has been classified as a Variant of Uncertain Significance. Advanced modeling of protein sequence and biophysical properties (such as structural, functional, and spatial information, amino acid conservation, physicochemical variation, residue mobility, and thermodynamic stability) performed at Invitae indicates that this missense variant is expected to disrupt PNKP protein function. ClinVar contains an entry for this variant (Variation ID: 206415). This variant has not been reported in the literature in individuals affected with PNKP-related conditions. This variant is present in population databases (rs377619541, gnomAD 0.006%). This sequence change replaces arginine, which is basic and polar, with proline, which is neutral and non-polar, at codon 464 of the PNKP protein (p.Arg464Pro).

Fulgent Genetics
Classification: Uncertain significance for Charcot-Marie-Tooth disease type 2B2; Microcephaly, seizures, and developmental delay; Ataxia - oculomotor apraxia type 4. Last evaluated: 2021-09-17. Review status: criteria provided, single submitter. Criteria: ACMG Guidelines, 2015. Collection method: clinical testing. Allele origin: unknown.

GeneDx
Classification: Uncertain significance. Last evaluated: 2013-09-27. Review status: criteria provided, single submitter. Criteria: GeneDx Variant Classification (06012015). Collection method: clinical testing. Allele origin: germline. Affected: yes.
Comment: p.Arg464Pro (CGA>CCA): c.1391 G>C in exon 16 of the PNKP gene (NM_007254.2) The Arg464Pro missense change has not been published as a mutation, nor has it been reported as a benign polymorphism to our knowledge. It was not observed in approximately 6,500 individuals of European and African American ancestry in the NHLBI Exome Sequencing Project, indicating it is not a common benign variant in these populations. This variant is a non-conservative amino acid substitution of a positively charged Arginine residue with an uncharged Proline residue, and the addition of a Proline, which has a unique ring structure, may impact the secondary structure of the protein. The variant alters a position that is conserved across species in the kinase domain, and in silico analysis predicts this variant is probably damaging to the protein structure/function. However, missense mutations have not been published in the kinase domain to date. Therefore, based on the currently available information, it is unclear whether Arg464Pro is a disease-causing mutation or a rare benign variant. The variant is found in EPILEPSY panel(s).

NM_007254.4(PNKP):c.1391G>C (p.Arg464Pro)

Gene: PNKP (polynucleotide kinase 3'-phosphatase; minus strand). Cytogenetic location: 19q13.33.
Variant type: single nucleotide variant.
Coding change: c.1391G>C on transcript NM_007254.4 (MANE Select); coding-DNA position 1391, G replaced by C.
Protein change: p.Arg464Pro; replaces arginine 464 with proline.
Molecular consequence: missense variant.
Genome position (GRCh38, 1-based): chr19:49,861,506, C>G on the plus strand (G>C on the coding strand, the complement: PNKP is on the minus strand). VCF-style: chr19-49861506-C-G. GRCh37 (hg19) VCF-style: chr19-50364763-C-G.
Other names: p.R464P:CGA>CCA; short protein forms R464P.
Identifiers: ClinVar variation 206415 (VCV000206415.7), dbSNP rs377619541, ClinGen allele CA316507.
Genomic context (GRCh38, chr19:49,861,506, plus strand): 5'-TACCTGTAGCCATACATGACCATGTCTGACACGGGGATATGAGAGGAGTCCGTCATCTCT[C>G]GAAACTGTGGGGAACATCAGAGGGGCGGCAGGCCCAGGGGTCAGGGGAGGAGGGGGGTCA-3'
Protein context (NP_009185.2, residues 454-474): LEQARHNNRF[Arg464Pro]EMTDSSHIPV